The following is an entry in ClinVar:

NM_004364.5(CEBPA):c.228G>C (p.Glu76Asp)

Gene: CEBPA (CCAAT enhancer binding protein alpha; minus strand). Cytogenetic location: 19q13.11.
Variant type: single nucleotide variant.
Coding change: c.228G>C on transcript NM_004364.5 (MANE Select); coding-DNA position 228, G replaced by C.
Protein change: p.Glu76Asp; replaces glutamic acid 76 with aspartic acid.
Molecular consequence: missense variant. On other transcripts: 5 prime UTR variant (1).
Genome position (GRCh38, 1-based): chr19:33,302,187, C>G on the plus strand (G>C on the coding strand, the complement: CEBPA is on the minus strand). VCF-style: chr19-33302187-C-G. GRCh37 (hg19) VCF-style: chr19-33793093-C-G.
Other names: c.-130G>C (NM_001285829.2); c.333G>C, p.Glu111Asp (NM_001287424.2); c.186G>C, p.Glu62Asp (NM_001287435.2); short protein forms E76D, E62D, E111D.
Identifiers: ClinVar variation 2863369 (VCV002863369.5), dbSNP rs1967193459, ClinGen allele CA405275399.

ClinVar aggregate classification (germline): Uncertain significance. Review status: criteria provided, multiple submitters, no conflicts (2 of 4 stars). 3 submissions from 3 submitters: Uncertain significance (3). Last evaluated 2026-07-06.

Conditions:
Inborn genetic diseases. Identifiers: MedGen C0950123, MeSH D030342.
Acute myeloid leukemia (AML). Also called: Acute myeloid leukemia, adult; AML adult; Acute non-lymphocytic leukemia; Acute granulocytic leukemia; Leukemia, acute myeloid, somatic; Leukemia, acute myelogenous, somatic. Identifiers: Orphanet 519, MedGen C0023467, MeSH D015470, MONDO:0018874, OMIM 601626, HP:0004808. Disease mechanism: Constitutively activated FLT3.

Submissions (3):

Ambry Genetics
Classification: Uncertain significance for Inborn genetic diseases. Last evaluated: 2026-07-06. Review status: criteria provided, single submitter. Criteria: Ambry Variant Classification Scheme 2023. Collection method: clinical testing. Allele origin: germline.
Comment: The p.E76D variant (also known as c.228G>C), located in coding exon 1 of the CEBPA gene, results from a G to C substitution at nucleotide position 228. The glutamic acid at codon 76 is replaced by aspartic acid, an amino acid with highly similar properties. This amino acid position is conserved. In addition, this alteration is predicted to be tolerated by in silico analysis. Based on the available evidence, the clinical significance of this variant remains unclear.

Labcorp Genetics (formerly Invitae), Labcorp
Classification: Uncertain significance for Acute myeloid leukemia. Last evaluated: 2025-10-07. Review status: criteria provided, single submitter. Criteria: Invitae Variant Classification Sherloc (09022015). Collection method: clinical testing. Allele origin: germline.
Comment: This sequence change replaces glutamic acid, which is acidic and polar, with aspartic acid, which is acidic and polar, at codon 76 of the CEBPA protein (p.Glu76Asp). This variant is not present in population databases (gnomAD no frequency). This variant has not been reported in the literature in individuals affected with CEBPA-related conditions. ClinVar contains an entry for this variant (Variation ID: 2863369). Invitae Evidence Modeling of protein sequence and biophysical properties (such as structural, functional, and spatial information, amino acid conservation, physicochemical variation, residue mobility, and thermodynamic stability) indicates that this missense variant is not expected to disrupt CEBPA protein function with a negative predictive value of 80%. In summary, the available evidence is currently insufficient to determine the role of this variant in disease. Therefore, it has been classified as a Variant of Uncertain Significance.

GeneDx
Classification: Uncertain significance. Last evaluated: 2023-11-29. Review status: criteria provided, single submitter. Criteria: GeneDx Variant Classification Process June 2021. Collection method: clinical testing. Allele origin: germline. Affected: yes.
Comment: Not observed at significant frequency in large population cohorts (gnomAD); In silico analysis supports that this missense variant does not alter protein structure/function; Has not been previously published as pathogenic or benign to our knowledge; This variant is associated with the following publications: (PMID: 21455213)